The following is an entry in ClinVar:

NM_018127.7(ELAC2):c.496C>T (p.Arg166Trp)

Gene: ELAC2 (elaC ribonuclease Z 2; minus strand). Cytogenetic location: 17p12.
Variant type: single nucleotide variant.
Coding change: c.496C>T on transcript NM_018127.7 (MANE Select); coding-DNA position 496, C replaced by T.
Protein change: p.Arg166Trp; replaces arginine 166 with tryptophan.
Molecular consequence: missense variant.
Genome position (GRCh38, 1-based): chr17:13,013,270, G>A on the plus strand (C>T on the coding strand, the complement: ELAC2 is on the minus strand). VCF-style: chr17-13013270-G-A. GRCh37 (hg19) VCF-style: chr17-12916587-G-A.
Other names: c.496C>T, p.Arg166Trp (NM_001165962.2, NM_173717.2); short protein forms R166W.
Identifiers: ClinVar variation 2720761 (VCV002720761.2), dbSNP rs766783415, ClinGen allele CA8401621.

ClinVar aggregate classification (germline): Uncertain significance (1 of 4 stars; one submission).

Conditions:
Combined oxidative phosphorylation defect type 17. Also called: Combined oxidative phosphorylation deficiency 17. Identifiers: Orphanet 369913, MedGen C3809526, MONDO:0014190, OMIM 615440.

Allele frequency attached by ClinVar (database versions not stated): ExAC 0.00003.

Submission:

Labcorp Genetics (formerly Invitae), Labcorp
Classification: Uncertain significance for Combined oxidative phosphorylation defect type 17. Last evaluated: 2023-10-22. Review status: criteria provided, single submitter. Criteria: Invitae Variant Classification Sherloc (09022015). Collection method: clinical testing. Allele origin: germline.
Comment: This sequence change replaces arginine, which is basic and polar, with tryptophan, which is neutral and slightly polar, at codon 166 of the ELAC2 protein (p.Arg166Trp). The frequency data for this variant in the population databases is considered unreliable, as metrics indicate poor data quality at this position in the gnomAD database. This variant has not been reported in the literature in individuals affected with ELAC2-related conditions. Advanced modeling of protein sequence and biophysical properties (such as structural, functional, and spatial information, amino acid conservation, physicochemical variation, residue mobility, and thermodynamic stability) performed at Invitae indicates that this missense variant is expected to disrupt ELAC2 protein function. In summary, the available evidence is currently insufficient to determine the role of this variant in disease. Therefore, it has been classified as a Variant of Uncertain Significance.